The following is an entry in ClinVar:

ClinVar aggregate classification (germline): Pathogenic/Likely pathogenic. Review status: criteria provided, multiple submitters, no conflicts (2 of 4 stars). 2 submissions from 2 submitters: Pathogenic (1); Likely pathogenic (1). Last evaluated 2024-12-17.

Conditions:
Hereditary cancer-predisposing syndrome. Also called: Neoplastic Syndromes, Hereditary; Hereditary Cancer Syndrome; Hereditary neoplastic syndrome; Tumor predisposition. Identifiers: Orphanet 140162, MedGen C0027672, MeSH D009386, MONDO:0015356.
Familial adenomatous polyposis 2. Also called: MUTYH-associated polyposis; MUTYH-related attenuated familial adenomatous polyposis; COLORECTAL ADENOMATOUS POLYPOSIS, AUTOSOMAL RECESSIVE; ADENOMAS, MULTIPLE COLORECTAL, AUTOSOMAL RECESSIVE; FAP type 2; MUTYH Polyposis. Identifiers: Orphanet 220460, Orphanet 247798, MedGen C3272841, MONDO:0012041, OMIM 608456.

Submissions (2):

Ambry Genetics
Classification: Pathogenic for Hereditary cancer-predisposing syndrome. Last evaluated: 2024-12-17. Review status: criteria provided, single submitter. Criteria: Ambry Variant Classification Scheme 2023. Collection method: clinical testing. Allele origin: germline.
Comment: The c.1407_1416dup10 variant, located in coding exon 14 of the MUTYH gene, results from a duplication of ACCACCAGGT at nucleotide position 1407, causing a translational frameshift with a predicted alternate stop codon (p.A473Tfs*62). This alteration occurs at the 3' terminus of theMUTYH gene, is not expected to trigger nonsense-mediated mRNA decay, and impacts the last 77 amino acids of the protein. However, premature stop codons are typically deleterious in nature and the impacted region is critical for protein function (Ambry internal data). This variant is considered to be rare based on population cohorts in the Genome Aggregation Database (gnomAD). Based on the supporting evidence, this variant is interpreted as a disease-causing mutation.

Labcorp Genetics (formerly Invitae), Labcorp
Classification: Likely pathogenic for Familial adenomatous polyposis 2. Last evaluated: 2021-05-08. Review status: criteria provided, single submitter. Criteria: Invitae Variant Classification Sherloc (09022015). Collection method: clinical testing. Allele origin: germline.
Comment: This sequence change creates a premature translational stop signal (p.Ala473Thrfs*62) in the MUTYH gene. While this is not anticipated to result in nonsense mediated decay, it is expected to disrupt the last 77 amino acid(s) of the MUTYH protein. This variant is not present in population databases (ExAC no frequency). This variant has not been reported in the literature in individuals with MUTYH-related conditions. Algorithms developed to predict the effect of sequence changes on RNA splicing suggest that this variant may create or strengthen a splice site, but this prediction has not been confirmed by published transcriptional studies. This variant disrupts the conserved PCNA binding motif of the MUTYH protein (Gln526-Phe533, also known as Gln512-Phe519 in the literature because of transcript nomenclature differences), which has been shown to be critical for MUTYH-PCNA binding (PMID: 11092888, 26377631). Experimental studies have shown that MUTYH and PCNA co-localize at sites of DNA replication, and that MUTYH-PCNA complexes possess adenine glycosylase activity (PMID: 11433026). In MUTYH-deficient murine cells, a mutated MUTYH protein in which the conserved PCNA binding motif was disrupted did not increase repair efficiency as compared to wild-type MUTYH (PMID: 11864576). While functional studies have not been performed to directly test the effect of this variant on MUTYH protein function, this suggests that disruption of this region of the protein is causative of disease. In summary, the currently available evidence indicates that the variant is pathogenic, but additional data are needed to prove that conclusively. Therefore, this variant has been classified as Likely Pathogenic.

Literature cited by the submitters: PubMed 11092888 (cited by Labcorp Genetics (formerly Invitae), Labcorp); PubMed 26377631 (cited by Labcorp Genetics (formerly Invitae), Labcorp); PubMed 11433026 (cited by Labcorp Genetics (formerly Invitae), Labcorp); PubMed 11864576 (cited by Labcorp Genetics (formerly Invitae), Labcorp).

NM_001048174.2(MUTYH):c.1323_1332dup (p.Ala445fs)

Gene: MUTYH (mutY DNA glycosylase; minus strand). Cytogenetic location: 1p34.1.
Variant type: Duplication.
Coding change: c.1323_1332dup on transcript NM_001048174.2 (MANE Select); coding-DNA positions 1323 to 1332, 10 bases duplicated (ACCACCAGGT; older notation c.1323_1332dupACCACCAGGT).
Protein change: p.Ala445fs; shifts the reading frame from alanine 445.
Molecular consequence: frameshift variant. On other transcripts: non-coding transcript variant (2).
Genome position (GRCh38, 1-based): chr1:45,331,242-45,331,251, ACCTGGTGGT duplicated on the plus strand (ACCACCAGGT on the coding strand, the reverse complement: MUTYH is on the minus strand); duplicating any 10 consecutive bases within chr1:45,331,242-45,331,253 gives the same sequence; the c. name uses the placement nearest the transcript's 3' end. VCF-style (leftmost placement, unchanged base first): chr1-45331241-C-CACCTGGTGGT. GRCh37 (hg19) VCF-style: chr1-45796913-C-CACCTGGTGGT.
Other names: c.1323_1332dup, p.Ala445fs (NM_001048171.2, NM_001048173.2, NM_001293195.2); c.1326_1335dup, p.Ala446fs (NM_001048172.2); c.1407_1416dup, p.Ala473fs (NM_001128425.2); c.1368_1377dup, p.Ala460fs (NM_001293190.2); c.1356_1365dup, p.Ala456fs (NM_001293191.2); c.1047_1056dup, p.Ala353fs (NM_001293192.2, NM_001293196.2); c.978_987dup, p.Ala330fs (NM_001350650.2, NM_001350651.2); c.1398_1407dup, p.Ala470fs (NM_012222.3); and 1 more; short protein forms A456fs, A470fs, A353fs, A445fs, A446fs, A460fs, A330fs, A473fs.
Identifiers: ClinVar variation 1523570 (VCV001523570.7), dbSNP rs2149112377, ClinGen allele CA2573132013.